The following is an entry in ClinVar:

ClinVar aggregate classification (germline): Uncertain significance (1 of 4 stars; one submission).

Conditions:
ADCY3-related disorder. Also called: ADCY3-related condition.

gnomAD v4.1: 33 of 1,613,924 alleles (0.002%); highest among the groups gnomAD compares: Admixed American, 0.0033%; no homozygotes.

Submission:

PreventionGenetics, part of Exact Sciences
Classification: Uncertain significance for ADCY3-related condition. Last evaluated: 2026-07-07. Review status: criteria provided, single submitter. Criteria: ACMG Guidelines, 2015. Collection method: clinical testing. Allele origin: germline.
Comment: The ADCY3 c.535T>C variant is predicted to result in the amino acid substitution p.Phe179Leu. To our knowledge, this variant has not been reported in the literature. This variant is reported in 0.0018% of alleles in individuals of European (non-Finnish) descent in gnomAD. At this time, the clinical significance of this variant is uncertain due to the absence of conclusive functional and genetic evidence.

NM_004036.5(ADCY3):c.535T>C (p.Phe179Leu)

Gene: ADCY3 (adenylate cyclase 3; minus strand). Cytogenetic location: 2p23.3.
Variant type: single nucleotide variant.
Coding change: c.535T>C on transcript NM_004036.5 (MANE Select); coding-DNA position 535, T replaced by C.
Protein change: p.Phe179Leu; replaces phenylalanine 179 with leucine.
Molecular consequence: missense variant.
Genome position (GRCh38, 1-based): chr2:24,918,453, A>G on the plus strand (T>C on the coding strand, the complement: ADCY3 is on the minus strand). VCF-style: chr2-24918453-A-G. GRCh37 (hg19) VCF-style: chr2-25141322-A-G.
Other names: c.535T>C, p.Phe179Leu (NM_001320613.2, NM_001377128.1, NM_001377129.1 and 2 more transcripts); short protein forms F179L.
Identifiers: ClinVar variation 4990759 (VCV004990759.1).